The following is an entry in ClinVar:

NM_002016.2(FLG):c.2091T>A (p.His697Gln)

Genes: CCDST (cervical cancer associated DHX9 suppressive transcript; plus strand), FLG (filaggrin; minus strand). Cytogenetic location: 1q21.3.
Variant type: single nucleotide variant.
Coding change: c.2091T>A on transcript NM_002016.2 (MANE Select); coding-DNA position 2091, T replaced by A.
Protein change: p.His697Gln; replaces histidine 697 with glutamine.
Molecular consequence: missense variant.
Genome position (GRCh38, 1-based): chr1:152,312,795, A>T on the plus strand (T>A on the coding strand, the complement: FLG is on the minus strand). VCF-style: chr1-152312795-A-T. GRCh37 (hg19) VCF-style: chr1-152285271-A-T.
Other names: short protein forms H697Q.
Identifiers: ClinVar variation 3769039 (VCV003769039.1).

ClinVar aggregate classification (germline): Uncertain significance (1 of 4 stars; one submission).

gnomAD v4.1: 1 of 1,613,890 alleles (0.000062%); highest among the groups gnomAD compares: Non-Finnish European, 0.000085%; no homozygotes.

Submission:

Women's Health and Genetics/Laboratory Corporation of America, LabCorp
Classification: Uncertain significance. Last evaluated: 2025-02-14. Review status: criteria provided, single submitter. Criteria: LabCorp Variant Classification Summary - May 2015. Collection method: clinical testing. Allele origin: germline.
Comment: Variant summary: FLG c.2091T>A (p.His697Gln) results in a non-conservative amino acid change in the encoded protein sequence. Four of five in-silico tools predict a benign effect of the variant on protein function. The variant was absent in 251490 control chromosomes. The available data on variant occurrences in the general population are insufficient to allow any conclusion about variant significance. To our knowledge, no occurrence of c.2091T>A in individuals affected with Ichthyosis Vulgaris and no experimental evidence demonstrating its impact on protein function have been reported. No submitters have cited clinical-significance assessments for this variant to ClinVar. Based on the evidence outlined above, the variant was classified as uncertain significance.